The following is an entry in ClinVar:

NM_000038.6(APC):c.1616A>G (p.Asp539Gly)

Gene: APC (APC regulator of Wnt signaling pathway; plus strand). Cytogenetic location: 5q22.2.
Variant type: single nucleotide variant.
Coding change: c.1616A>G on transcript NM_000038.6 (MANE Select); coding-DNA position 1616, A replaced by G.
Protein change: p.Asp539Gly; replaces aspartic acid 539 with glycine.
Molecular consequence: missense variant.
Genome position (GRCh38, 1-based): chr5:112,827,996, A>G. VCF-style: chr5-112827996-A-G. GRCh37 (hg19) VCF-style: chr5-112163693-A-G.
Other names: c.1616A>G, p.Asp539Gly (NM_001127510.3, NM_001354895.2, NM_001407450.1); c.1562A>G, p.Asp521Gly (NM_001127511.3); c.1670A>G, p.Asp557Gly (NM_001354896.2, NM_001407447.1, NM_001407448.1 and 1 more transcripts); c.1646A>G, p.Asp549Gly (NM_001354897.2); c.1541A>G, p.Asp514Gly (NM_001354898.2); c.1532A>G, p.Asp511Gly (NM_001354899.2); c.1493A>G, p.Asp498Gly (NM_001354900.2); c.1439A>G, p.Asp480Gly (NM_001354901.2, NM_001407453.1); and 11 more; short protein forms D410G, D448G, D456G, D480G, D529G, D532G, D438G, D498G.
Identifiers: ClinVar variation 2483468 (VCV002483468.5), dbSNP rs1432714177, ClinGen allele CA16024836.

ClinVar aggregate classification (germline): Uncertain significance. Review status: criteria provided, multiple submitters, no conflicts (2 of 4 stars). 2 submissions from 2 submitters: Uncertain significance (2). Last evaluated 2023-07-06.

Conditions:
Hereditary cancer-predisposing syndrome. Also called: Neoplastic Syndromes, Hereditary; Hereditary neoplastic syndrome; Tumor predisposition; Hereditary Cancer Syndrome. Identifiers: Orphanet 140162, MedGen C0027672, MeSH D009386, MONDO:0015356.
Familial adenomatous polyposis 1 (FAP1). Also called: FAMILIAL ADENOMATOUS POLYPOSIS 1, ATTENUATED; POLYPOSIS, ADENOMATOUS INTESTINAL. Identifiers: MedGen C2713442, MONDO:0021056, OMIM 175100. Disease mechanism: loss of function.

Allele frequency attached by ClinVar (database versions not stated): gnomAD exomes below 0.00001; gnomAD 0.00001; 1000 Genomes Project 30x 0.00031.
gnomAD v4.1: 2 of 1,612,388 alleles (0.00012%); highest among the groups gnomAD compares: African/African-American, 0.0013%; no homozygotes.

Submissions (2):

Labcorp Genetics (formerly Invitae), Labcorp
Classification: Uncertain significance for Familial adenomatous polyposis 1. Last evaluated: 2023-07-06. Review status: criteria provided, single submitter. Criteria: Invitae Variant Classification Sherloc (09022015). Collection method: clinical testing. Allele origin: germline.
Comment: In summary, the available evidence is currently insufficient to determine the role of this variant in disease. Therefore, it has been classified as a Variant of Uncertain Significance. Advanced modeling of protein sequence and biophysical properties (such as structural, functional, and spatial information, amino acid conservation, physicochemical variation, residue mobility, and thermodynamic stability) performed at Invitae indicates that this missense variant is not expected to disrupt APC protein function. ClinVar contains an entry for this variant (Variation ID: 2483468). This variant has not been reported in the literature in individuals affected with APC-related conditions. This variant is present in population databases (no rsID available, gnomAD 0.0009%). This sequence change replaces aspartic acid, which is acidic and polar, with glycine, which is neutral and non-polar, at codon 539 of the APC protein (p.Asp539Gly).

Ambry Genetics
Classification: Uncertain significance for Hereditary cancer-predisposing syndrome. Last evaluated: 2023-02-24. Review status: criteria provided, single submitter. Criteria: Ambry Variant Classification Scheme 2023. Collection method: clinical testing. Allele origin: germline.
Comment: The p.D539G variant (also known as c.1616A>G), located in coding exon 12 of the APC gene, results from an A to G substitution at nucleotide position 1616. The aspartic acid at codon 539 is replaced by glycine, an amino acid with similar properties. This amino acid position is conserved. In addition, in silico predictors for this gene do not accurately predict pathogenicity. Since supporting evidence is limited at this time, the clinical significance of this alteration remains unclear.